The following is an entry in ClinVar:

ClinVar aggregate classification (germline): Uncertain significance (1 of 4 stars; one submission).

Conditions:
Alstrom syndrome (ALMS). Identifiers: Orphanet 64, MedGen C0268425, MONDO:0008763, OMIM 203800.

Allele frequency attached by ClinVar (database versions not stated): gnomAD 0.00001; TOPMed 0.00002.
gnomAD v4.1: 2 of 1,614,090 alleles (0.00012%); highest among the groups gnomAD compares: Admixed American, 0.0033%; no homozygotes.

Submission:

Labcorp Genetics (formerly Invitae), Labcorp
Classification: Uncertain significance for Alstrom syndrome. Last evaluated: 2022-06-09. Review status: criteria provided, single submitter. Criteria: Invitae Variant Classification Sherloc (09022015). Collection method: clinical testing. Allele origin: germline.
Comment: In summary, the available evidence is currently insufficient to determine the role of this variant in disease. Therefore, it has been classified as a Variant of Uncertain Significance. Experimental studies and prediction algorithms are not available or were not evaluated, and the functional significance of this variant is currently unknown. This variant has not been reported in the literature in individuals affected with ALMS1-related conditions. This variant is not present in population databases (gnomAD no frequency). This sequence change replaces glutamine, which is neutral and polar, with arginine, which is basic and polar, at codon 2656 of the ALMS1 protein (p.Gln2656Arg).

NM_001378454.1(ALMS1):c.7964A>G (p.Gln2655Arg)

Gene: ALMS1 (ALMS1 centrosome and basal body associated protein; plus strand). Cytogenetic location: 2p13.1.
Variant type: single nucleotide variant.
Coding change: c.7964A>G on transcript NM_001378454.1 (MANE Select); coding-DNA position 7964, A replaced by G.
Protein change: p.Gln2655Arg; replaces glutamine 2655 with arginine.
Molecular consequence: missense variant.
Genome position (GRCh38, 1-based): chr2:73,489,923, A>G. VCF-style: chr2-73489923-A-G. GRCh37 (hg19) VCF-style: chr2-73717050-A-G.
Other names: c.7967A>G, p.Gln2656Arg (NM_015120.4); short protein forms Q2655R, Q2656R.
Identifiers: ClinVar variation 2003892 (VCV002003892.4), dbSNP rs1431839446, ClinGen allele CA347266630.